The following is an entry in ClinVar:

ClinVar aggregate classification (germline): Uncertain significance (1 of 4 stars; one submission).

Conditions:
Nemaline myopathy 2 (NEM2). Also called: Nemaline myopathy 2, autosomal recessive. Identifiers: MedGen C1850569, MONDO:0009725, OMIM 256030.

Submission:

Labcorp Genetics (formerly Invitae), Labcorp
Classification: Uncertain significance for Nemaline myopathy 2. Last evaluated: 2018-06-07. Review status: criteria provided, single submitter. Criteria: Invitae Variant Classification Sherloc (09022015). Collection method: clinical testing. Allele origin: germline.
Comment: This variant is an in-frame deletion of the genomic region encompassing exons 172 to 173 of the NEB gene. It preserves the integrity of the reading frame. This variant has not been reported in the literature in individuals with NEB-related disease. Experimental studies and prediction algorithms are not available for this variant, and the functional significance of the deleted amino acids is currently unknown. In summary, the available evidence is currently insufficient to determine the role of this variant in disease. Therefore, it has been classified as a Variant of Uncertain Significance.

NC_000002.12:g.(?_151496921)_(151497738_?)del

Genes: NEB (nebulin; minus strand), RIF1 (replication timing regulatory factor 1; plus strand). Cytogenetic location: 2q23.3.
Variant type: Deletion.
Identifiers: ClinVar variation 584044 (VCV000584044.2).